The following is an entry in ClinVar:

ClinVar aggregate classification (germline): Pathogenic. Review status: criteria provided, multiple submitters, no conflicts (2 of 4 stars). 8 submissions from 8 submitters: Pathogenic (8). Last evaluated 2025-10-01.

Conditions:
Familial cancer of breast. Also called: Hereditary breast cancer; BREAST CANCER, FAMILIAL; hereditary breast carcinoma. Identifiers: Orphanet 227535, MedGen C0346153, MONDO:0016419, OMIM 114480. Disease mechanism: loss of function.
Hereditary cancer-predisposing syndrome. Also called: Neoplastic Syndromes, Hereditary; Hereditary Cancer Syndrome; Tumor predisposition; Hereditary neoplastic syndrome. Identifiers: Orphanet 140162, MedGen C0027672, MeSH D009386, MONDO:0015356.
CHEK2-related cancer predisposition (TPDS4). Also called: TUMOR PREDISPOSITION SYNDROME 4; CANCER PREDISPOSITION SYNDROME, CHEK2-RELATED; CHEK2-related cancer susceptibility. Identifiers: Orphanet 524, MedGen C5882668, MONDO:0700271, OMIM 609265.

Allele frequency attached by ClinVar (database versions not stated): TOPMed 0.00002.

Submissions (8):

CeGaT Center for Human Genetics Tuebingen
Classification: Pathogenic. Last evaluated: 2025-10-01. Review status: criteria provided, single submitter. Criteria: CeGaT Center For Human Genetics Tuebingen Variant Classification Criteria Version 2. Collection method: clinical testing. Allele origin: germline. Affected: yes. Observed: 1 variant allele.
Comment: CHEK2: PVS1, PM2, PS4:Supporting

Labcorp Genetics (formerly Invitae), Labcorp
Classification: Pathogenic for Familial cancer of breast. Last evaluated: 2025-09-16. Review status: criteria provided, single submitter. Criteria: Invitae Variant Classification Sherloc (09022015). Collection method: clinical testing. Allele origin: germline.
Comment: This sequence change creates a premature translational stop signal (p.Tyr113*) in the CHEK2 gene. It is expected to result in an absent or disrupted protein product. Loss-of-function variants in CHEK2 are known to be pathogenic (PMID: 21876083, 24713400). This variant is not present in population databases (gnomAD no frequency). This premature translational stop signal has been observed in individual(s) with prostate cancer (PMID: 27433846). ClinVar contains an entry for this variant (Variation ID: 530096). For these reasons, this variant has been classified as Pathogenic.

Baylor Genetics
Classification: Pathogenic for Familial cancer of breast. Last evaluated: 2024-02-23. Review status: criteria provided, single submitter. Criteria: ACMG Guidelines, 2015. Collection method: clinical testing. Allele origin: unknown.

Institute of Human Genetics, FAU Erlangen, Friedrich-Alexander-Universität Erlangen-Nürnberg
Classification: Pathogenic. Last evaluated: 2024-01-08. Review status: criteria provided, single submitter. Criteria: Hauer et al. (Genet Med. 2018). Collection method: clinical testing. Allele origin: germline. Inheritance: Unknown mechanism. Affected: yes. Observed: 1 variant allele.
Comment: This variant has been identified by standard clinical testing.

Ambry Genetics
Classification: Pathogenic for Hereditary cancer-predisposing syndrome. Last evaluated: 2023-08-07. Review status: criteria provided, single submitter. Criteria: Ambry Variant Classification Scheme 2023. Collection method: clinical testing. Allele origin: germline.
Comment: The p.Y113* pathogenic mutation (also known as c.339C>G), located in coding exon 2 of the CHEK2 gene, results from a C to G substitution at nucleotide position 339. This changes the amino acid from a tyrosine to a stop codon within coding exon 2. This alteration was identified in 1/692 men with metastatic prostate cancer who were unselected for family history of cancer or age at diagnosis. (Pritchard CC et al. N. Engl. J. Med. 2016 Aug;375:443-53). In addition to the clinical data presented in the literature, this alteration is expected to result in loss of function by premature protein truncation or nonsense-mediated mRNA decay. As such, this alteration is interpreted as a disease-causing mutation.

Myriad Genetics, Inc.
Classification: Pathogenic for Familial cancer of breast. Last evaluated: 2023-06-23. Review status: criteria provided, single submitter. Criteria: Myriad Autosomal Dominant, Autosomal Recessive and X-Linked Classification Criteria (2023). Collection method: clinical testing. Allele origin: unknown.
Comment: This variant is considered pathogenic. This variant creates a termination codon and is predicted to result in premature protein truncation.

Greenwood Genetic Center Diagnostic Laboratories, Greenwood Genetic Center
Classification: Pathogenic for CHEK2-related cancer predisposition. Last evaluated: 2021-04-30. Review status: criteria provided, single submitter. Criteria: ACMG Guidelines, 2015. Collection method: clinical testing. Allele origin: germline.
Comment: PVS1, PM2, PS4_Moderate

Color Diagnostics, LLC DBA Color Health
Classification: Pathogenic for Hereditary cancer-predisposing syndrome. Last evaluated: 2020-09-18. Review status: criteria provided, single submitter. Criteria: ACMG Guidelines, 2015. Collection method: clinical testing. Allele origin: germline.
Comment: This variant changes 1 nucleotide in exon 3 of the CHEK2 gene, creating a premature translation stop signal. This variant is expected to result in an absent or non-functional protein product. To our knowledge, this variant has been reported in an individual affected with prostate cancer (PMID: 27433846). This variant has not been identified in the general population by the Genome Aggregation Database (gnomAD). Loss of CHEK2 function is a known mechanism of disease. Based on the available evidence, this variant is classified as Pathogenic.

Literature cited by the submitters: PubMed 21876083 (cited by Labcorp Genetics (formerly Invitae), Labcorp); PubMed 24713400 (cited by Labcorp Genetics (formerly Invitae), Labcorp); PubMed 27433846 (cited by Labcorp Genetics (formerly Invitae), Labcorp and Ambry Genetics).

NM_007194.4(CHEK2):c.339C>G (p.Tyr113Ter)

Gene: CHEK2 (checkpoint kinase 2; minus strand). Cytogenetic location: 22q12.1.
Variant type: single nucleotide variant.
Coding change: c.339C>G on transcript NM_007194.4 (MANE Select); coding-DNA position 339, C replaced by G.
Protein change: p.Tyr113Ter; replaces tyrosine 113 with a stop codon.
Molecular consequence: nonsense.
Genome position (GRCh38, 1-based): chr22:28,725,348, G>C on the plus strand (C>G on the coding strand, the complement: CHEK2 is on the minus strand). VCF-style: chr22-28725348-G-C. GRCh37 (hg19) VCF-style: chr22-29121336-G-C.
Other names: c.468C>G, p.Tyr156Ter (NM_001005735.3); c.-439C>G (NM_001257387.3); c.339C>G, p.Tyr113Ter (NM_001349956.3, NM_145862.3); short protein forms Y113*, Y156*.
Identifiers: ClinVar variation 530096 (VCV000530096.31), dbSNP rs905674348, ClinGen allele CA323033395.